The following is an entry in ClinVar:

ClinVar aggregate classification (germline): Uncertain significance. Review status: criteria provided, single submitter (1 of 4 stars). 2 submissions from 2 submitters: Uncertain significance (1). 1 of the submissions does not count toward it. Last evaluated 2024-08-08.

Conditions:
APPL1-related disorder. Also called: APPL1-related condition.

Allele frequency attached by ClinVar (database versions not stated): TOPMed 0.00001; gnomAD exomes 0.00002; ExAC 0.00003; gnomAD 0.00005; 1000 Genomes Project 30x 0.00016; 1000 Genomes Project 0.00020.
gnomAD v4.1: 34 of 1,614,048 alleles (0.0021%); highest among the groups gnomAD compares: South Asian, 0.016%; no homozygotes.

Submissions (2):

Labcorp Genetics (formerly Invitae), Labcorp
Classification: Uncertain significance. Last evaluated: 2024-08-08. Review status: criteria provided, single submitter. Criteria: Invitae Variant Classification Sherloc (09022015). Collection method: clinical testing. Allele origin: germline.
Comment: This sequence change replaces leucine, which is neutral and non-polar, with valine, which is neutral and non-polar, at codon 441 of the APPL1 protein (p.Leu441Val). This variant is present in population databases (rs201500452, gnomAD 0.01%). This variant has not been reported in the literature in individuals affected with APPL1-related conditions. ClinVar contains an entry for this variant (Variation ID: 1935912). Advanced modeling of protein sequence and biophysical properties (such as structural, functional, and spatial information, amino acid conservation, physicochemical variation, residue mobility, and thermodynamic stability) performed at Invitae indicates that this missense variant is not expected to disrupt APPL1 protein function with a negative predictive value of 80%. In summary, the available evidence is currently insufficient to determine the role of this variant in disease. Therefore, it has been classified as a Variant of Uncertain Significance.

PreventionGenetics, part of Exact Sciences
Classification: Uncertain significance for APPL1-related condition. Last evaluated: 2024-09-14. Review status: no assertion criteria provided. Collection method: clinical testing. Allele origin: germline. Not counted in ClinVar's aggregate classification.
Comment: The APPL1 c.1321C>G variant is predicted to result in the amino acid substitution p.Leu441Val. To our knowledge, this variant has not been reported in the literature. This variant is reported in 0.0098% of alleles in individuals of South Asian descent in gnomAD. At this time, the clinical significance of this variant is uncertain due to the absence of conclusive functional and genetic evidence.

NM_012096.3(APPL1):c.1321C>G (p.Leu441Val)

Gene: APPL1 (adaptor protein, phosphotyrosine interacting with PH domain and leucine zipper 1; plus strand). Cytogenetic location: 3p14.3.
Variant type: single nucleotide variant.
Coding change: c.1321C>G on transcript NM_012096.3 (MANE Select); coding-DNA position 1321, C replaced by G.
Protein change: p.Leu441Val; replaces leucine 441 with valine.
Molecular consequence: missense variant.
Genome position (GRCh38, 1-based): chr3:57,257,319, C>G. VCF-style: chr3-57257319-C-G. GRCh37 (hg19) VCF-style: chr3-57291347-C-G.
Other names: c.1321C>G (NM_012096.2); short protein forms L441V.
Identifiers: ClinVar variation 1935912 (VCV001935912.6), dbSNP rs201500452, ClinGen allele CA2463786.
Genomic context (GRCh38, chr3:57,257,319, plus strand): 5'-CCGACAGCTCGAACCAGCAGTTCAGGATCCTTAGGATCTGAGTCTACAAATTTGGCTGCC[C>G]TCTCTCTAGATTCTCTTGTTGCCCCAGACACCCCAATACAGTTTGACATAATTTCTCCTG-3'
Protein context (NP_036228.1, residues 431-451): LGSESTNLAA[Leu441Val]SLDSLVAPDT